The following is an entry in ClinVar:

NM_000179.3(MSH6):c.3102G>A (p.Arg1034=)

Gene: MSH6 (mutS homolog 6; plus strand). Cytogenetic location: 2p16.3.
Variant type: single nucleotide variant.
Coding change: c.3102G>A on transcript NM_000179.3 (MANE Select); coding-DNA position 3102, G replaced by A.
Protein change: p.Arg1034=; no amino-acid change (arginine 1034 retained).
Molecular consequence: synonymous variant. On other transcripts: non-coding transcript variant (5), intron variant (2).
Genome position (GRCh38, 1-based): chr2:47,801,085, G>A. VCF-style: chr2-47801085-G-A. GRCh37 (hg19) VCF-style: chr2-48028224-G-A.
Other names: c.2712G>A, p.Arg904= (NM_001281492.2); c.2196G>A, p.Arg732= (NM_001281493.2, NM_001281494.2, NM_001406811.1 and 6 more transcripts); c.3198G>A, p.Arg1066= (NM_001406795.1, NM_001406802.1); c.3102G>A, p.Arg1034= (NM_001406796.1, NM_001406798.1, NM_001406800.1 and 2 more transcripts); c.2805G>A, p.Arg935= (NM_001406797.1, NM_001406801.1, NM_001406805.1 and 10 more transcripts); c.2577G>A, p.Arg859= (NM_001406799.1, NM_001406806.1, NM_001406807.1); c.3024G>A, p.Arg1008= (NM_001406804.1); c.3108G>A, p.Arg1036= (NM_001406813.1); and 4 more.
Identifiers: ClinVar variation 1727657 (VCV001727657.6), dbSNP rs2104440193, ClinGen allele CA426121857.

ClinVar aggregate classification (germline): Benign/Likely benign. Review status: criteria provided, multiple submitters, no conflicts (2 of 4 stars). 3 submissions from 3 submitters: Benign (1); Likely benign (2). Last evaluated 2025-01-03.

Conditions:
Hereditary nonpolyposis colorectal neoplasms. Identifiers: MedGen C0009405, MeSH D003123.
Hereditary cancer-predisposing syndrome. Also called: Tumor predisposition; Neoplastic Syndromes, Hereditary; Hereditary Cancer Syndrome; Hereditary neoplastic syndrome. Identifiers: Orphanet 140162, MedGen C0027672, MeSH D009386, MONDO:0015356.
Lynch syndrome 5 (LYNCH5). Also called: Colorectal cancer, hereditary nonpolyposis, type 5; Hereditary non-polyposis colorectal cancer, type 5. Identifiers: Orphanet 144, MedGen C1833477, MONDO:0013710, OMIM 614350. Disease mechanism: loss of function.

Submissions (3):

Myriad Genetics, Inc.
Classification: Benign for Lynch syndrome 5. Last evaluated: 2025-01-03. Review status: criteria provided, single submitter. Criteria: Myriad Autosomal Dominant, Autosomal Recessive and X-Linked Classification Criteria (2023). Collection method: clinical testing. Allele origin: unknown.
Comment: This variant is considered benign. This variant is a silent/synonymous amino acid change and it is not expected to impact splicing.

Labcorp Genetics (formerly Invitae), Labcorp
Classification: Likely benign for Hereditary nonpolyposis colorectal neoplasms. Last evaluated: 2024-01-03. Review status: criteria provided, single submitter. Criteria: Invitae Variant Classification Sherloc (09022015). Collection method: clinical testing. Allele origin: germline.

Ambry Genetics
Classification: Likely benign for Hereditary cancer-predisposing syndrome. Last evaluated: 2021-11-10. Review status: criteria provided, single submitter. Criteria: Ambry Variant Classification Scheme 2023. Collection method: clinical testing. Allele origin: germline.